The following is an entry in ClinVar:

NM_007186.6(CEP250):c.982G>A (p.Ala328Thr)

Genes: CEP250 (centrosomal protein 250; plus strand), CEP250-AS1 (CEP250 antisense RNA 1; minus strand). Cytogenetic location: 20q11.22.
Variant type: single nucleotide variant.
Coding change: c.982G>A on transcript NM_007186.6 (MANE Select); coding-DNA position 982, G replaced by A.
Protein change: p.Ala328Thr; replaces alanine 328 with threonine.
Molecular consequence: missense variant. On other transcripts: 5 prime UTR variant (1).
Genome position (GRCh38, 1-based): chr20:35,472,083, G>A. VCF-style: chr20-35472083-G-A. GRCh37 (hg19) VCF-style: chr20-34059908-G-A.
Other names: c.-918G>A (NM_001318219.1); c.982G>A (NM_007186.3); short protein forms A328T.
Identifiers: ClinVar variation 1025893 (VCV001025893.9), dbSNP rs150639987, ClinGen allele CA9832787.

ClinVar aggregate classification (germline): Uncertain significance. Review status: criteria provided, multiple submitters, no conflicts (2 of 4 stars). 3 submissions from 3 submitters: Uncertain significance (3). Last evaluated 2025-02-14.

Allele frequency attached by ClinVar (database versions not stated): ESP Exome Variant Server 0.00008; gnomAD 0.00009 and 0.00011; TOPMed 0.00011.
gnomAD v4.1: 20 of 1,612,602 alleles (0.0012%); highest among the groups gnomAD compares: African/African-American, 0.021%; no homozygotes.

Submissions (3):

Ambry Genetics
Classification: Uncertain significance. Last evaluated: 2025-02-14. Review status: criteria provided, single submitter. Criteria: Ambry Variant Classification Scheme 2023. Collection method: clinical testing. Allele origin: germline.

Labcorp Genetics (formerly Invitae), Labcorp
Classification: Uncertain significance. Last evaluated: 2024-10-21. Review status: criteria provided, single submitter. Criteria: Invitae Variant Classification Sherloc (09022015). Collection method: clinical testing. Allele origin: germline.
Comment: This sequence change replaces alanine, which is neutral and non-polar, with threonine, which is neutral and polar, at codon 328 of the CEP250 protein (p.Ala328Thr). This variant is present in population databases (rs150639987, gnomAD 0.01%). This variant has not been reported in the literature in individuals affected with CEP250-related conditions. ClinVar contains an entry for this variant (Variation ID: 1025893). An algorithm developed to predict the effect of missense changes on protein structure and function (PolyPhen-2) suggests that this variant is likely to be tolerated. In summary, the available evidence is currently insufficient to determine the role of this variant in disease. Therefore, it has been classified as a Variant of Uncertain Significance.

Blueprint Genetics
Classification: Uncertain significance. Last evaluated: 2024-09-04. Review status: criteria provided, single submitter. Criteria: ACMG Guidelines, 2015. Collection method: clinical testing. Allele origin: germline.